The following is an entry in ClinVar:

NM_001267550.2(TTN):c.88309G>A (p.Gly29437Ser)

Genes: TTN (titin; minus strand), TTN-AS1 (TTN antisense RNA 1; plus strand). Cytogenetic location: 2q31.2.
Variant type: single nucleotide variant.
Coding change: c.88309G>A on transcript NM_001267550.2 (MANE Select); coding-DNA position 88309, G replaced by A.
Protein change: p.Gly29437Ser; replaces glycine 29437 with serine.
Molecular consequence: missense variant.
Genome position (GRCh38, 1-based): chr2:178,555,150, C>T on the plus strand (G>A on the coding strand, the complement: TTN is on the minus strand). VCF-style: chr2-178555150-C-T. GRCh37 (hg19) VCF-style: chr2-179419877-C-T.
Other names: c.83386G>A, p.Gly27796Ser (NM_001256850.1); c.61114G>A, p.Gly20372Ser (NM_003319.4); c.80605G>A, p.Gly26869Ser (NM_133378.4); c.61489G>A, p.Gly20497Ser (NM_133432.3); c.61690G>A, p.Gly20564Ser (NM_133437.4); short protein forms G26869S, G29437S, G20564S, G27796S, G20372S, G20497S.
Identifiers: ClinVar variation 191862 (VCV000191862.8), dbSNP rs199916082, ClinGen allele CA237728.

ClinVar aggregate classification (germline): Conflicting classifications of pathogenicity. Review status: criteria provided, conflicting classifications (1 of 4 stars). 5 submissions from 5 submitters: Uncertain significance (4); Likely benign (1). Last evaluated 2026-03-02.

Conditions:
TTN-related disorder. Also called: TTN-related condition; TTN-related disease; TTN-related disorders.
Cardiovascular phenotype. Identifiers: MedGen CN230736.

Allele frequency attached by ClinVar (database versions not stated): TOPMed 0.00002; gnomAD 0.00003.
gnomAD v4.1: 46 of 1,598,894 alleles (0.0029%); highest among the groups gnomAD compares: Middle Eastern, 0.017%; no homozygotes.

Submissions (5):

PreventionGenetics, part of Exact Sciences
Classification: Uncertain significance for TTN-related condition. Last evaluated: 2026-03-02. Review status: criteria provided, single submitter. Criteria: ACMG Guidelines, 2015. Collection method: clinical testing. Allele origin: germline.
Comment: The TTN c.88309G>A variant is predicted to result in the amino acid substitution p.Gly29437Ser. To our knowledge, this variant has not been reported in the literature. This variant is reported in 0.0042% of alleles in individuals of African descent in gnomAD. At this time, the clinical significance of this variant is uncertain due to the absence of conclusive functional and genetic evidence.

Revvity Omics, Revvity
Classification: Uncertain significance. Last evaluated: 2023-08-31. Review status: criteria provided, single submitter. Criteria: ACMG Guidelines, 2015. Collection method: clinical testing. Allele origin: germline.

Blueprint Genetics
Classification: Likely benign. Last evaluated: 2022-12-15. Review status: criteria provided, single submitter. Criteria: ACMG Guidelines, 2015. Collection method: clinical testing. Allele origin: germline.

Ambry Genetics
Classification: Uncertain significance for Cardiovascular phenotype. Last evaluated: 2020-06-29. Review status: criteria provided, single submitter. Criteria: Ambry Variant Classification Scheme 2023. Collection method: clinical testing. Allele origin: germline.
Comment: The p.G20372S variant (also known as c.61114G>A), located in coding exon 158 of the TTN gene, results from a G to A substitution at nucleotide position 61114. The glycine at codon 20372 is replaced by serine, an amino acid with similar properties. This amino acid position is poorly conserved in available vertebrate species. In addition, this alteration is predicted to be tolerated by in silico analysis. Since supporting evidence is limited at this time, the clinical significance of this alteration remains unclear.

Biesecker Lab/Clinical Genomics Section, National Institutes of Health
Classification: Uncertain significance. Last evaluated: 2013-06-24. Review status: criteria provided, single submitter. Criteria: Ng et al. (Circ Cardiovasc Genet. 2013). Collection method: research. Allele origin: unknown. Observed: 1 variant allele. Study: ClinSeq.
Comment: The study set was not selected for affection status in relation to any cancer. Pathogenicity categories were based on literature curation. See Pubmed ID:23861362 for details.

Medical sequencing